The following is an entry in ClinVar:

NM_000057.4(BLM):c.2517G>T (p.Lys839Asn)

Gene: BLM (BLM RecQ like helicase; plus strand). Cytogenetic location: 15q26.1.
Variant type: single nucleotide variant.
Coding change: c.2517G>T on transcript NM_000057.4 (MANE Select); coding-DNA position 2517, G replaced by T.
Protein change: p.Lys839Asn; replaces lysine 839 with asparagine.
Molecular consequence: missense variant.
Genome position (GRCh38, 1-based): chr15:90,769,548, G>T. VCF-style: chr15-90769548-G-T. GRCh37 (hg19) VCF-style: chr15-91312778-G-T.
Other names: c.2517G>T, p.Lys839Asn (NM_001287246.2, NM_001287247.2); c.1392G>T, p.Lys464Asn (NM_001287248.2); short protein forms K464N, K839N.
Identifiers: ClinVar variation 5032892 (VCV005032892.1).
Genomic context (GRCh38, chr15:90,769,548, plus strand): 5'-GAAGTTTCCTTCTGTTCCGGTGATGGCTCTTACGGCCACAGCTAATCCCAGGGTACAGAA[G>T]GACATCCTGACTCAGCTGAAGATTCTCAGACCTCAGGTGTAAGTTGTTGCACGTCACGTA-3'
Protein context (NP_000048.1, residues 829-849): LTATANPRVQ[Lys839Asn]DILTQLKILR

ClinVar aggregate classification (germline): Uncertain significance (1 of 4 stars; one submission).

Conditions:
Hereditary cancer-predisposing syndrome. Also called: Neoplastic Syndromes, Hereditary; Tumor predisposition; Hereditary neoplastic syndrome; Hereditary Cancer Syndrome. Identifiers: Orphanet 140162, MedGen C0027672, MeSH D009386, MONDO:0015356.

Submission:

Ambry Genetics
Classification: Uncertain significance for Hereditary cancer-predisposing syndrome. Last evaluated: 2026-07-06. Review status: criteria provided, single submitter. Criteria: Ambry Variant Classification Scheme 2023. Collection method: clinical testing. Allele origin: germline.
Comment: The p.K839N variant (also known as c.2517G>T), located in coding exon 11 of the BLM gene, results from a G to T substitution at nucleotide position 2517. The lysine at codon 839 is replaced by asparagine, an amino acid with similar properties. This amino acid position is conserved. In addition, this alteration is predicted to be tolerated by in silico analysis. Based on the available evidence, the clinical significance of this variant remains unclear.